The following is an entry in ClinVar:

NM_001754.5(RUNX1):c.31C>A (p.Pro11Thr)

Gene: RUNX1 (RUNX family transcription factor 1; minus strand). Cytogenetic location: 21q22.12.
Variant type: single nucleotide variant.
Coding change: c.31C>A on transcript NM_001754.5 (MANE Select); coding-DNA position 31, C replaced by A.
Protein change: p.Pro11Thr; replaces proline 11 with threonine.
Molecular consequence: missense variant.
Genome position (GRCh38, 1-based): chr21:35,048,869, G>T on the plus strand (C>A on the coding strand, the complement: RUNX1 is on the minus strand). VCF-style: chr21-35048869-G-T. GRCh37 (hg19) VCF-style: chr21-36421166-G-T.
Other names: NM_001754.5(RUNX1):c.31C>A; p.Pro11Thr; short protein forms P11T.
Identifiers: ClinVar variation 2725991 (VCV002725991.5), dbSNP rs766610477, ClinGen allele CA410208245.

ClinVar aggregate classification (germline): Uncertain significance. Review status: reviewed by expert panel (3 of 4 stars). 3 submissions from 3 submitters: Uncertain significance (1). 2 of the submissions do not count toward it. Last evaluated 2024-09-12.

Conditions:
Inborn genetic diseases. Identifiers: MedGen C0950123, MeSH D030342.
Hereditary thrombocytopenia and hematological cancer predisposition syndrome associated with RUNX1. Also called: Familial Platelet Disorder with Propensity to Acute Myelogenous Leukemia; Familial thrombocytopenia with propensity to acute myelogenous leukemia; PLATELET DISORDER, ASPIRIN-LIKE; RUNX1 Familial Platelet Disorder with Associated Myeloid Malignancies. Identifiers: Orphanet 71290, MedGen C1832388, MeSH C563324, MONDO:0100083, OMIM 601399.
Hereditary thrombocytopenia and hematologic cancer predisposition syndrome. Identifiers: Orphanet 71290, MedGen CN281654, MONDO:0011071.

Submissions (3):

ClinGen Myeloid Malignancy Variant Curation Expert Panel
Classification: Uncertain significance for Hereditary thrombocytopenia and hematologic cancer predisposition syndrome. Last evaluated: 2024-09-12. Review status: reviewed by expert panel. Criteria: ClinGen MyeloMalig ACMG Specifications v2. Collection method: curation. Allele origin: germline. Inheritance: Autosomal dominant inheritance.
Comment: NM_001754.5(RUNX1):c.31C>A (p.Pro11Thr) is a missense variant which has a REVEL score < 0.50 (0.467) and a SpliceAI score ≤ 0.20 (0.01) (BP4). In summary, the clinical significance of this variant is uncertain. ACMG/AMP criteria applied, as specified by the Myeloid Malignancy Variant Curation Expert Panel for RUNX1: BP4.

Ambry Genetics
Classification: Uncertain significance for Inborn genetic diseases. Last evaluated: 2024-12-07. Review status: criteria provided, single submitter. Criteria: Ambry Variant Classification Scheme 2023. Collection method: clinical testing. Allele origin: germline. Not counted in ClinVar's aggregate classification.
Comment: The p.P11T variant (also known as c.31C>A), located in coding exon 1 of the RUNX1 gene, results from a C to A substitution at nucleotide position 31. The proline at codon 11 is replaced by threonine, an amino acid with highly similar properties. This amino acid position is conserved. In addition, the in silico prediction for this alteration is inconclusive. Based on the available evidence, the clinical significance of this variant remains unclear.

Labcorp Genetics (formerly Invitae), Labcorp
Classification: Uncertain significance for Hereditary thrombocytopenia and hematological cancer predisposition syndrome associated with RUNX1. Last evaluated: 2023-11-14. Review status: criteria provided, single submitter. Criteria: Invitae Variant Classification Sherloc (09022015). Collection method: clinical testing. Allele origin: germline. Not counted in ClinVar's aggregate classification.
Comment: This sequence change replaces proline, which is neutral and non-polar, with threonine, which is neutral and polar, at codon 11 of the RUNX1 protein (p.Pro11Thr). This variant is not present in population databases (gnomAD no frequency). This variant has not been reported in the literature in individuals affected with RUNX1-related conditions. An algorithm developed to predict the effect of missense changes on protein structure and function (PolyPhen-2) suggests that this variant is likely to be disruptive. In summary, the available evidence is currently insufficient to determine the role of this variant in disease. Therefore, it has been classified as a Variant of Uncertain Significance.